The following is an entry in ClinVar:

NM_138295.5(PKD1L1):c.3845T>A (p.Val1282Glu)

Gene: PKD1L1 (polycystin 1 like 1, transient receptor potential channel interacting; minus strand). Cytogenetic location: 7p12.3.
Variant type: single nucleotide variant.
Coding change: c.3845T>A on transcript NM_138295.5 (MANE Select); coding-DNA position 3845, T replaced by A.
Protein change: p.Val1282Glu; replaces valine 1282 with glutamic acid.
Molecular consequence: missense variant.
Genome position (GRCh38, 1-based): chr7:47,873,950, A>T on the plus strand (T>A on the coding strand, the complement: PKD1L1 is on the minus strand). VCF-style: chr7-47873950-A-T. GRCh37 (hg19) VCF-style: chr7-47913548-A-T.
Other names: c.3845T>A (NM_138295.3); short protein forms V1282E.
Identifiers: ClinVar variation 1285159 (VCV001285159.12), dbSNP rs138130715, ClinGen allele CA4253286.
Genomic context (GRCh38, chr7:47,873,950, plus strand): 5'-GTTACTCACAGGTCCTCGCCCAGACAGTCATTTCCATGGTAGCGGGGCAGCACAGTCACC[A>T]CCACAGTGCACGGCTGGACCTTGGAGCCTTTGCCATCTGTGATTTCAGTGGAAACCATGA-3'
Protein context (NP_612152.1, residues 1272-1292): KGSKVQPCTV[Val1282Glu]VTVLPRYHGN

ClinVar aggregate classification (germline): Conflicting classifications of pathogenicity. Review status: criteria provided, conflicting classifications (1 of 4 stars). 7 submissions from 7 submitters: Uncertain significance (4); Likely benign (1). 2 of the submissions do not count toward it. Last evaluated 2026-08-02.

Conditions:
PKD1L1-related disorder. Also called: PKD1L1-related condition.
Inborn genetic diseases. Identifiers: MedGen C0950123, MeSH D030342.
Congenital chylothorax. Also called: HYDROTHORAX, CONGENITAL. Identifiers: Orphanet 264688, MedGen C0340014, MONDO:0011331, OMIM 603523.

Allele frequency attached by ClinVar (database versions not stated): 1000 Genomes Project 30x 0.00016; 1000 Genomes Project 0.00020; ExAC 0.00036; gnomAD exomes 0.00036; gnomAD 0.00037 and 0.00039; TOPMed 0.00045; ESP Exome Variant Server 0.00077.
gnomAD v4.1: 995 of 1,614,008 alleles (0.062%); highest among the groups gnomAD compares: Non-Finnish European, 0.077%; no homozygotes.

Submissions (7):

PreventionGenetics, part of Exact Sciences
Classification: Uncertain significance for PKD1L1-related condition. Last evaluated: 2026-08-02. Review status: criteria provided, single submitter. Criteria: ACMG Guidelines, 2015. Collection method: clinical testing. Allele origin: germline.
Comment: The PKD1L1 c.3845T>A variant is predicted to result in the amino acid substitution p.Val1282Glu. This variant was reported in an individual with congenital chylothorax (Whitchurch et al. 2024. PubMed ID: 38247840). This variant is reported in 0.061% of alleles in individuals of European (Non-Finnish) descent in gnomAD, which is more common than expected for a disease causing variant. Although we suspect this variant may be benign, at this time the clinical significance is uncertain due to the absence of conclusive functional and genetic evidence.

Blueprint Genetics
Classification: Likely benign. Last evaluated: 2024-11-21. Review status: criteria provided, single submitter. Criteria: ACMG Guidelines, 2015. Collection method: clinical testing. Allele origin: germline.

SIB Swiss Institute of Bioinformatics
Classification: Uncertain significance for Congenital chylothorax. Last evaluated: 2024-03-21. Review status: criteria provided, single submitter. Criteria: ACMG Guidelines, 2015. Collection method: curation. Allele origin: unknown. Affected: yes.
Comment: This variant is interpreted for congenital chylothorax, autosomal recessive. The following ACMG Tag(s) were applied: Absent from controls (or at extremely low frequency if recessive) in Exome Sequencing Project, 1000 Genomes Project, or Exome Aggregation Consortium (PM2).

Labcorp Genetics (formerly Invitae), Labcorp
Classification: Uncertain significance. Last evaluated: 2023-12-20. Review status: criteria provided, single submitter. Criteria: Invitae Variant Classification Sherloc (09022015). Collection method: clinical testing. Allele origin: germline.
Comment: This sequence change replaces valine, which is neutral and non-polar, with glutamic acid, which is acidic and polar, at codon 1282 of the PKD1L1 protein (p.Val1282Glu). This variant is present in population databases (rs138130715, gnomAD 0.06%). This variant has not been reported in the literature in individuals affected with PKD1L1-related conditions. ClinVar contains an entry for this variant (Variation ID: 1285159). Advanced modeling of protein sequence and biophysical properties (such as structural, functional, and spatial information, amino acid conservation, physicochemical variation, residue mobility, and thermodynamic stability) performed at Invitae indicates that this missense variant is not expected to disrupt PKD1L1 protein function with a negative predictive value of 80%. In summary, the available evidence is currently insufficient to determine the role of this variant in disease. Therefore, it has been classified as a Variant of Uncertain Significance.

Ambry Genetics
Classification: Uncertain significance for Inborn genetic diseases. Last evaluated: 2021-07-20. Review status: criteria provided, single submitter. Criteria: Ambry Variant Classification Scheme 2023. Collection method: clinical testing. Allele origin: germline.

Genome Diagnostics Laboratory, University Medical Center Utrecht
Classification: Likely benign. Review status: no assertion criteria provided. Collection method: clinical testing. Allele origin: germline. Affected: yes. Study: VKGL Data-share Consensus. Not counted in ClinVar's aggregate classification.

Joint Genome Diagnostic Labs from Nijmegen and Maastricht, Radboudumc and MUMC+
Classification: Likely benign. Review status: no assertion criteria provided. Collection method: clinical testing. Allele origin: germline. Affected: yes. Study: VKGL Data-share Consensus. Not counted in ClinVar's aggregate classification.

Literature cited by the submitters: PubMed 38247840 (cited by SIB Swiss Institute of Bioinformatics).